The following is an entry in ClinVar:

ClinVar aggregate classification (germline): Likely pathogenic (1 of 4 stars; one submission).

Allele frequency attached by ClinVar (database versions not stated): ExAC 0.00001; gnomAD 0.00001; gnomAD exomes 0.00001.

Submission:

Labcorp Genetics (formerly Invitae), Labcorp
Classification: Likely pathogenic. Last evaluated: 2023-09-04. Review status: criteria provided, single submitter. Criteria: Invitae Variant Classification Sherloc (09022015). Collection method: clinical testing. Allele origin: germline.
Comment: Algorithms developed to predict the effect of sequence changes on RNA splicing suggest that this variant may disrupt the consensus splice site. This variant has not been reported in the literature in individuals affected with PLG-related conditions. This variant is present in population databases (rs772727378, gnomAD 0.0009%). This sequence change affects a donor splice site in intron 10 of the PLG gene. It is expected to disrupt RNA splicing. Variants that disrupt the donor or acceptor splice site typically lead to a loss of protein function (PMID: 16199547), and loss-of-function variants in PLG are known to be pathogenic (PMID: 16849641). In summary, the currently available evidence indicates that the variant is pathogenic, but additional data are needed to prove that conclusively. Therefore, this variant has been classified as Likely Pathogenic.

Literature cited by the submitters: PubMed 16199547; PubMed 16849641.

NM_000301.5(PLG):c.1256+1G>A

Gene: PLG (plasminogen; plus strand). Cytogenetic location: 6q26.
Variant type: single nucleotide variant.
Coding change: c.1256+1G>A on transcript NM_000301.5 (MANE Select); the canonical splice donor site of the intron after coding-DNA position 1256, G replaced by A.
Molecular consequence: splice donor variant.
Genome position (GRCh38, 1-based): chr6:160,722,568, G>A. VCF-style: chr6-160722568-G-A. GRCh37 (hg19) VCF-style: chr6-161143600-G-A.
Identifiers: ClinVar variation 2980729 (VCV002980729.3), dbSNP rs772727378, ClinGen allele CA4087713.
Genomic context (GRCh38, chr6:160,722,568, plus strand): 5'-GTCTTGGTCATCTATGACACCACACCGGCACCAGAAGACCCCAGAAAACTACCCAAATGC[G>A]TATGTCTTTGATTTTTACTGTAAGAGGGGCATCAGCCAACTGAAATTTCTGTTAAAAGAG-3'